The following is an entry in ClinVar:

ClinVar aggregate classification (germline): Uncertain significance (1 of 4 stars; one submission).

Conditions:
Episodic kinesigenic dyskinesia (EKD). Also called: Paroxysmal kinesigenic dyskinesia. Identifiers: Orphanet 98809, MedGen C1868682, MONDO:0044202.

Submission:

Labcorp Genetics (formerly Invitae), Labcorp
Classification: Uncertain significance for Episodic kinesigenic dyskinesia. Last evaluated: 2025-03-03. Review status: criteria provided, single submitter. Criteria: Invitae Variant Classification Sherloc (09022015). Collection method: clinical testing. Allele origin: germline.
Comment: This sequence change replaces glutamine, which is neutral and polar, with glutamic acid, which is acidic and polar, at codon 141 of the PRRT2 protein (p.Gln141Glu). This variant is not present in population databases (gnomAD no frequency). This variant has not been reported in the literature in individuals affected with PRRT2-related conditions. Invitae Evidence Modeling of protein sequence and biophysical properties (such as structural, functional, and spatial information, amino acid conservation, physicochemical variation, residue mobility, and thermodynamic stability) indicates that this missense variant is not expected to disrupt PRRT2 protein function with a negative predictive value of 95%. In summary, the available evidence is currently insufficient to determine the role of this variant in disease. Therefore, it has been classified as a Variant of Uncertain Significance.

NM_145239.3(PRRT2):c.421C>G (p.Gln141Glu)

Genes: MVP-DT (MVP divergent transcript; minus strand), PRRT2 (proline rich transmembrane protein 2; plus strand). Cytogenetic location: 16p11.2.
Variant type: single nucleotide variant.
Coding change: c.421C>G on transcript NM_145239.3 (MANE Select); coding-DNA position 421, C replaced by G.
Protein change: p.Gln141Glu; replaces glutamine 141 with glutamic acid.
Molecular consequence: missense variant.
Genome position (GRCh38, 1-based): chr16:29,813,475, C>G. VCF-style: chr16-29813475-C-G. GRCh37 (hg19) VCF-style: chr16-29824796-C-G.
Other names: c.421C>G, p.Gln141Glu (NM_001256442.2, NM_001256443.2, NM_001438120.1 and 2 more transcripts); short protein forms Q141E.
Identifiers: ClinVar variation 4702245 (VCV004702245.1).